The following is an entry in ClinVar:

NM_001099287.2(NIPAL4):c.653G>A (p.Arg218His)

Gene: NIPAL4 (NIPA like domain containing 4; plus strand). Cytogenetic location: 5q33.3.
Variant type: single nucleotide variant.
Coding change: c.653G>A on transcript NM_001099287.2 (MANE Select); coding-DNA position 653, G replaced by A.
Protein change: p.Arg218His; replaces arginine 218 with histidine.
Molecular consequence: missense variant.
Genome position (GRCh38, 1-based): chr5:157,472,398, G>A. VCF-style: chr5-157472398-G-A. GRCh37 (hg19) VCF-style: chr5-156899406-G-A.
Other names: c.596G>A, p.Arg199His (NM_001172292.2); short protein forms R280H, R261H, R218H, R199H.
Identifiers: ClinVar variation 352517 (VCV000352517.28), dbSNP rs200033975, ClinGen allele CA3534709.
Genomic context (GRCh38, chr5:157,472,398, plus strand): 5'-TCGTGTTTGCTGTGCTTCTGCTGGTGTCATGCCTCATCCTCATCTTTGTCATTGCCCCAC[G>A]TTACGGGCAAAGGAATATCCTCATCTACATCATCATCTGCTCTGTGATCGGGGCCTTCTC-3'
Protein context (NP_001092757.2, residues 208-228): CLILIFVIAP[Arg218His]YGQRNILIYI

ClinVar aggregate classification (germline): Uncertain significance. Review status: criteria provided, multiple submitters, no conflicts (2 of 4 stars). 3 submissions from 3 submitters: Uncertain significance (3). Last evaluated 2024-11-13.

Conditions:
Autosomal recessive congenital ichthyosis 6 (ARCI6). Identifiers: Orphanet 313, Orphanet 79394, MedGen C2677065, MONDO:0012847, OMIM 612281.

Allele frequency attached by ClinVar (database versions not stated): ESP Exome Variant Server 0.00016; gnomAD exomes 0.00017 and 0.00020; ExAC 0.00027; gnomAD 0.00028; TOPMed 0.00035; 1000 Genomes Project 30x 0.00078; 1000 Genomes Project 0.00080.

Submissions (3):

Blueprint Genetics
Classification: Uncertain significance. Last evaluated: 2024-11-13. Review status: criteria provided, single submitter. Criteria: ACMG Guidelines, 2015. Collection method: clinical testing. Allele origin: germline.

CeGaT Center for Human Genetics Tuebingen
Classification: Uncertain significance. Last evaluated: 2024-02-01. Review status: criteria provided, single submitter. Criteria: CeGaT Center For Human Genetics Tuebingen Variant Classification Criteria Version 2. Collection method: clinical testing. Allele origin: germline. Affected: yes. Observed: 1 variant allele.
Comment: NIPAL4: PM2

Illumina Laboratory Services, Illumina
Classification: Uncertain significance for Autosomal recessive congenital ichthyosis 6. Last evaluated: 2018-01-12. Review status: criteria provided, single submitter. Criteria: ICSL Variant Classification Criteria 13 December 2019. Collection method: clinical testing. Allele origin: germline.